The following is an entry in ClinVar:

NM_022455.5(NSD1):c.7258C>T (p.Pro2420Ser)

Gene: NSD1 (nuclear receptor binding SET domain protein 1; plus strand). Cytogenetic location: 5q35.3.
Variant type: single nucleotide variant.
Coding change: c.7258C>T on transcript NM_022455.5 (MANE Select); coding-DNA position 7258, C replaced by T.
Protein change: p.Pro2420Ser; replaces proline 2420 with serine.
Molecular consequence: missense variant.
Genome position (GRCh38, 1-based): chr5:177,294,626, C>T. VCF-style: chr5-177294626-C-T. GRCh37 (hg19) VCF-style: chr5-176721627-C-T.
Other names: c.6385C>T, p.Pro2129Ser (NM_001365684.2, NM_001409308.1, NM_172349.5); c.7258C>T, p.Pro2420Ser (NM_001409301.1, NM_001409302.1, NM_001409303.1); c.6838C>T, p.Pro2280Ser (NM_001409304.1); c.6505C>T, p.Pro2169Ser (NM_001409305.1); c.6496C>T, p.Pro2166Ser (NM_001409306.1, NM_001409307.1); c.6136C>T, p.Pro2046Ser (NM_001409309.1); short protein forms P2046S, P2129S, P2166S, P2169S, P2280S, P2420S.
Identifiers: ClinVar variation 3257186 (VCV003257186.17).

ClinVar aggregate classification (germline): Uncertain significance (1 of 4 stars; one submission).

Submission:

CeGaT Center for Human Genetics Tuebingen
Classification: Uncertain significance. Last evaluated: 2024-07-01. Review status: criteria provided, single submitter. Criteria: CeGaT Center For Human Genetics Tuebingen Variant Classification Criteria Version 2. Collection method: clinical testing. Allele origin: germline. Affected: yes. Observed: 1 variant allele.
Comment: NSD1: PM2